The following is an entry in ClinVar:

NM_004484.4(GPC3):c.265A>G (p.Met89Val)

Gene: GPC3 (glypican 3; minus strand). Cytogenetic location: Xq26.2.
Variant type: single nucleotide variant.
Coding change: c.265A>G on transcript NM_004484.4 (MANE Select); coding-DNA position 265, A replaced by G.
Protein change: p.Met89Val; replaces methionine 89 with valine.
Molecular consequence: missense variant. On other transcripts: intron variant (1).
Genome position (GRCh38, 1-based): chrX:133,953,122, T>C on the plus strand (A>G on the coding strand, the complement: GPC3 is on the minus strand). VCF-style: chrX-133953122-T-C. GRCh37 (hg19) VCF-style: chrX-133087149-T-C.
Other names: c.265A>G, p.Met89Val (NM_001164617.2, NM_001164618.2); c.175+32153A>G (NM_001164619.2); short protein forms M89V.
Identifiers: ClinVar variation 579259 (VCV000579259.10), dbSNP rs1569458698, ClinGen allele CA414707425.

ClinVar aggregate classification (germline): Uncertain significance. Review status: criteria provided, multiple submitters, no conflicts (2 of 4 stars). 2 submissions from 2 submitters: Uncertain significance (2). Last evaluated 2022-11-22.

Conditions:
Inborn genetic diseases. Identifiers: MedGen C0950123, MeSH D030342.
Wilms tumor 1 (WT1). Also called: Wilms tumor, somatic. Identifiers: Orphanet 654, MedGen CN033288, MONDO:0008679, OMIM 194070.

Submissions (2):

Ambry Genetics
Classification: Uncertain significance for Inborn genetic diseases. Last evaluated: 2022-11-22. Review status: criteria provided, single submitter. Criteria: Ambry Variant Classification Scheme 2023. Collection method: clinical testing. Allele origin: germline.

Labcorp Genetics (formerly Invitae), Labcorp
Classification: Uncertain significance for Wilms tumor 1. Last evaluated: 2022-08-16. Review status: criteria provided, single submitter. Criteria: Invitae Variant Classification Sherloc (09022015). Collection method: clinical testing. Allele origin: germline.
Comment: This sequence change replaces methionine, which is neutral and non-polar, with valine, which is neutral and non-polar, at codon 89 of the GPC3 protein (p.Met89Val). This variant is not present in population databases (gnomAD no frequency). In summary, the available evidence is currently insufficient to determine the role of this variant in disease. Therefore, it has been classified as a Variant of Uncertain Significance. Algorithms developed to predict the effect of missense changes on protein structure and function (SIFT, PolyPhen-2, Align-GVGD) all suggest that this variant is likely to be tolerated. ClinVar contains an entry for this variant (Variation ID: 579259). This variant has not been reported in the literature in individuals affected with GPC3-related conditions.